The following is an entry in ClinVar:

ClinVar aggregate classification (germline): Uncertain significance. Review status: criteria provided, multiple submitters, no conflicts (2 of 4 stars). 2 submissions from 2 submitters: Uncertain significance (2). Last evaluated 2026-01-20.

Conditions:
Inborn genetic diseases. Identifiers: MedGen C0950123, MeSH D030342.
AP1B1-related disorder. Also called: AP1B1-related condition.

gnomAD v4.1: 23 of 1,604,908 alleles (0.0014%); highest among the groups gnomAD compares: East Asian, 0.029%; no homozygotes.

Submissions (2):

PreventionGenetics, part of Exact Sciences
Classification: Uncertain significance for AP1B1-related condition. Last evaluated: 2026-01-20. Review status: criteria provided, single submitter. Criteria: ACMG Guidelines, 2015. Collection method: clinical testing. Allele origin: germline.
Comment: The AP1B1 c.2281G>A variant is predicted to result in the amino acid substitution p.Asp761Asn. To our knowledge, this variant has not been reported in the literature. This variant is reported in 0.062% of alleles in individuals of East Asian descent in gnomAD. Although we suspect that this variant may be benign, at this time, the clinical significance of this variant is uncertain due to the absence of conclusive functional and genetic evidence.

Ambry Genetics
Classification: Uncertain significance for Inborn genetic diseases. Last evaluated: 2025-05-07. Review status: criteria provided, single submitter. Criteria: Ambry Variant Classification Scheme 2023. Collection method: clinical testing. Allele origin: germline.

NM_001127.4(AP1B1):c.2281G>A (p.Asp761Asn)

Gene: AP1B1 (adaptor related protein complex 1 subunit beta 1; minus strand). Cytogenetic location: 22q12.2.
Variant type: single nucleotide variant.
Coding change: c.2281G>A on transcript NM_001127.4 (MANE Select); coding-DNA position 2281, G replaced by A.
Protein change: p.Asp761Asn; replaces aspartic acid 761 with asparagine.
Molecular consequence: missense variant.
Genome position (GRCh38, 1-based): chr22:29,334,293, C>T on the plus strand (G>A on the coding strand, the complement: AP1B1 is on the minus strand). VCF-style: chr22-29334293-C-T. GRCh37 (hg19) VCF-style: chr22-29730282-C-T.
Other names: c.2200G>A, p.Asp734Asn (NM_001166019.2); c.2281G>A, p.Asp761Asn (NM_001378562.1); c.2260G>A, p.Asp754Asn (NM_001378563.1, NM_145730.3); c.2110G>A, p.Asp704Asn (NM_001378564.1); c.2089G>A, p.Asp697Asn (NM_001378565.1); c.2074G>A, p.Asp692Asn (NM_001378566.1); short protein forms D704N, D761N, D697N, D734N, D754N, D692N.
Identifiers: ClinVar variation 3921928 (VCV003921928.2).